The following is an entry in ClinVar:

ClinVar aggregate classification (germline): Uncertain significance (1 of 4 stars; one submission).

Conditions:
NRP2-related disorder. Also called: NRP2-related condition.

Allele frequency attached by ClinVar (database versions not stated): ExAC 0.00004; gnomAD 0.00004; TOPMed 0.00011; gnomAD exomes 0.00012.
gnomAD v4.1: 171 of 1,610,152 alleles (0.011%); highest among the groups gnomAD compares: Non-Finnish European, 0.014%; no homozygotes.

Submission:

PreventionGenetics, part of Exact Sciences
Classification: Uncertain significance for NRP2-related condition. Last evaluated: 2026-04-29. Review status: criteria provided, single submitter. Criteria: ACMG Guidelines, 2015. Collection method: clinical testing. Allele origin: germline.
Comment: The NRP2 c.2440+1G>A variant is predicted to disrupt the GT donor site and interfere with normal splicing. This variant has not been reported in individuals with NRP2-related disease. This variant is reported in 0.019% of alleles in individuals of European (Non-Finnish) descent in gnomAD. Loss of function is not an established mechanism of NRP2-associated disease. At this time, the clinical significance of this variant is uncertain due to the absence of conclusive functional and genetic evidence.

NM_003872.3(NRP2):c.2425+16G>A

Gene: NRP2 (neuropilin 2; plus strand). Cytogenetic location: 2q33.3.
Variant type: single nucleotide variant.
Coding change: c.2425+16G>A on transcript NM_003872.3 (MANE Select); 16 bases into the intron after coding-DNA position 2425, G replaced by A.
Molecular consequence: intron variant. On other transcripts: splice donor variant (2).
Genome position (GRCh38, 1-based): chr2:205,766,819, G>A. VCF-style: chr2-205766819-G-A. GRCh37 (hg19) VCF-style: chr2-206631543-G-A.
Other names: c.2440+1G>A (NM_201266.2, NM_018534.4); c.2425+16G>A (NM_201279.2, NM_201267.2).
Identifiers: ClinVar variation 3053988 (VCV003053988.3), dbSNP rs200980447, ClinGen allele CA2069436.